The following is an entry in ClinVar:

ClinVar aggregate classification (germline): Uncertain significance (1 of 4 stars; one submission).

Conditions:
WNK1-related disorder. Also called: WNK1-related condition.

gnomAD v4.1: 7 of 1,613,754 alleles (0.00043%); highest among the groups gnomAD compares: East Asian, 0.0022%; no homozygotes.

Submission:

PreventionGenetics, part of Exact Sciences
Classification: Uncertain significance for WNK1-related condition. Last evaluated: 2026-03-10. Review status: criteria provided, single submitter. Criteria: ACMG Guidelines, 2015. Collection method: clinical testing. Allele origin: germline.
Comment: The WNK1 c.2279G>A variant is predicted to result in the amino acid substitution p.Arg760His. To our knowledge, this variant has not been reported in the literature. This variant is reported in 0.0065% of alleles in individuals of African descent in gnomAD. At this time, the clinical significance of this variant is uncertain due to the absence of conclusive functional and genetic evidence.

NM_213655.5(WNK1):c.2534G>A (p.Arg845His)

Gene: WNK1 (WNK lysine deficient protein kinase 1; plus strand). Cytogenetic location: 12p13.33.
Variant type: single nucleotide variant.
Coding change: c.2534G>A on transcript NM_213655.5 (MANE Plus Clinical); coding-DNA position 2534, G replaced by A.
Protein change: p.Arg845His; replaces arginine 845 with histidine.
Molecular consequence: missense variant. On other transcripts: intron variant (2).
Genome position (GRCh38, 1-based): chr12:868,005, G>A. VCF-style: chr12-868005-G-A. GRCh37 (hg19) VCF-style: chr12-977171-G-A.
Other names: c.2279G>A, p.Arg760His (NM_001184985.2); c.2140-3260G>A (NM_018979.4, NM_014823.3); short protein forms R760H, R845H.
Identifiers: ClinVar variation 4977515 (VCV004977515.1).